The following is an entry in ClinVar:

ClinVar aggregate classification (germline): Conflicting classifications of pathogenicity. Review status: criteria provided, conflicting classifications (1 of 4 stars). 2 submissions from 2 submitters: Uncertain significance (1); Likely benign (1). Last evaluated 2025-02-02.

Conditions:
Hereditary cancer-predisposing syndrome. Also called: Neoplastic Syndromes, Hereditary; Hereditary Cancer Syndrome; Tumor predisposition; Hereditary neoplastic syndrome. Identifiers: Orphanet 140162, MedGen C0027672, MeSH D009386, MONDO:0015356.
Familial cancer of breast. Also called: hereditary breast carcinoma; Hereditary breast cancer; BREAST CANCER, FAMILIAL. Identifiers: Orphanet 227535, MedGen C0346153, MONDO:0016419, OMIM 114480. Disease mechanism: loss of function.

Allele frequency attached by ClinVar (database versions not stated): gnomAD exomes below 0.00001.
gnomAD v4.1: 2 of 1,614,206 alleles (0.00012%); highest among the groups gnomAD compares: South Asian, 0.0022%; no homozygotes.

Submissions (2):

Ambry Genetics
Classification: Likely benign for Hereditary cancer-predisposing syndrome. Last evaluated: 2025-02-02. Review status: criteria provided, single submitter. Criteria: Ambry Variant Classification Scheme 2023. Collection method: clinical testing. Allele origin: germline.

Labcorp Genetics (formerly Invitae), Labcorp
Classification: Uncertain significance for Familial cancer of breast. Last evaluated: 2020-12-15. Review status: criteria provided, single submitter. Criteria: Invitae Variant Classification Sherloc (09022015). Collection method: clinical testing. Allele origin: germline.
Comment: In summary, the available evidence is currently insufficient to determine the role of this variant in disease. Therefore, it has been classified as a Variant of Uncertain Significance. Algorithms developed to predict the effect of sequence changes on RNA splicing suggest that this variant may create or strengthen a splice site, but this prediction has not been confirmed by published transcriptional studies. Algorithms developed to predict the effect of missense changes on protein structure and function output the following: SIFT: "Tolerated"; PolyPhen-2: "Benign"; Align-GVGD: "Class C0". The arginine amino acid residue is found in multiple mammalian species, suggesting that this missense change does not adversely affect protein function. These predictions have not been confirmed by published functional studies and their clinical significance is uncertain. This variant has not been reported in the literature in individuals with PALB2-related conditions. This variant is not present in population databases (ExAC no frequency). This sequence change replaces lysine with arginine at codon 436 of the PALB2 protein (p.Lys436Arg). The lysine residue is moderately conserved and there is a small physicochemical difference between lysine and arginine.

NM_024675.4(PALB2):c.1307A>G (p.Lys436Arg)

Gene: PALB2 (partner and localizer of BRCA2; minus strand). Cytogenetic location: 16p12.2.
Variant type: single nucleotide variant.
Coding change: c.1307A>G on transcript NM_024675.4 (MANE Select); coding-DNA position 1307, A replaced by G.
Protein change: p.Lys436Arg; replaces lysine 436 with arginine.
Molecular consequence: missense variant.
Genome position (GRCh38, 1-based): chr16:23,635,239, T>C on the plus strand (A>G on the coding strand, the complement: PALB2 is on the minus strand). VCF-style: chr16-23635239-T-C. GRCh37 (hg19) VCF-style: chr16-23646560-T-C.
Other names: c.1307A>G (NM_024675.3); short protein forms K436R.
Identifiers: ClinVar variation 1039234 (VCV001039234.10), dbSNP rs1966977995, ClinGen allele CA395132422.